The following is an entry in ClinVar:

ClinVar aggregate classification (germline): Uncertain significance (1 of 4 stars; one submission).

Submission:

CeGaT Center for Human Genetics Tuebingen
Classification: Uncertain significance. Last evaluated: 2026-07-01. Review status: criteria provided, single submitter. Criteria: CeGaT Center For Human Genetics Tuebingen Variant Classification Criteria Version 2. Collection method: clinical testing. Allele origin: germline. Affected: yes. Observed: 1 variant allele.
Comment: ATM: PM2

NM_000051.4(ATM):c.7152G>A (p.Met2384Ile)

Genes: ATM (ATM serine/threonine kinase; plus strand), C11orf65 (chromosome 11 open reading frame 65; minus strand). Cytogenetic location: 11q22.3.
Variant type: single nucleotide variant.
Coding change: c.7152G>A on transcript NM_000051.4 (MANE Select); coding-DNA position 7152, G replaced by A.
Protein change: p.Met2384Ile; replaces methionine 2384 with isoleucine.
Molecular consequence: missense variant. On other transcripts: intron variant (2).
Genome position (GRCh38, 1-based): chr11:108,329,083, G>A. VCF-style: chr11-108329083-G-A. GRCh37 (hg19) VCF-style: chr11-108199810-G-A.
Other names: c.7152G>A, p.Met2384Ile (NM_001351834.2); c.641-20012C>T (NM_001330368.2); c.*38+6137C>T (NM_001351110.2); short protein forms M2384I.
Identifiers: ClinVar variation 5040385 (VCV005040385.1).
Genomic context (GRCh38, chr11:108,329,083, plus strand): 5'-AGTAGAAGTTGCTGGAAATTATGATGGAGAAAGTAGTGATGAGCTAAGAAATGGAAAAAT[G>A]AAGGCATTTCTCTCATTAGCCCGGTTTTCAGATACTCAATACCAAAGAATTGAAAACTAC-3'
Protein context (NP_000042.3, residues 2374-2394): ESSDELRNGK[Met2384Ile]KAFLSLARFS